The following is an entry in ClinVar:

NM_002626.6(PFKL):c.2212G>A (p.Glu738Lys)

Gene: PFKL (phosphofructokinase, liver type; plus strand). Cytogenetic location: 21q22.3.
Variant type: single nucleotide variant.
Coding change: c.2212G>A on transcript NM_002626.6 (MANE Select); coding-DNA position 2212, G replaced by A.
Protein change: p.Glu738Lys; replaces glutamic acid 738 with lysine.
Molecular consequence: missense variant.
Genome position (GRCh38, 1-based): chr21:44,326,731, G>A. VCF-style: chr21-44326731-G-A. GRCh37 (hg19) VCF-style: chr21-45746614-G-A.
Other names: c.2362G>A, p.Glu788Lys (NM_001002021.3); short protein forms E738K, E788K.
Identifiers: ClinVar variation 811805 (VCV000811805.9), dbSNP rs140555552, ClinGen allele CA10053403.

ClinVar aggregate classification (germline): Uncertain significance. Review status: criteria provided, multiple submitters, no conflicts (2 of 4 stars). 2 submissions from 2 submitters: Uncertain significance (2). Last evaluated 2018-11-03.

Allele frequency attached by ClinVar (database versions not stated): TOPMed 0.00045; gnomAD 0.00054 and 0.00057; gnomAD exomes 0.00055 and 0.00064; ExAC 0.00067; ESP Exome Variant Server 0.00077.

Submissions (2):

ARUP Laboratories, Molecular Genetics and Genomics, ARUP Laboratories
Classification: Uncertain significance. Last evaluated: 2018-11-03. Review status: criteria provided, single submitter. Criteria: ARUP Molecular Germline Variant Investigation Process. Collection method: clinical testing. Allele origin: germline.
Comment: The PFKL c.2212G>A; p.Glu738Lys variant (rs140555552), to our knowledge, is not reported in the medical literature or gene specific databases. This variant is found in the general population with an overall allele frequency of 0.06% (172/277816 alleles, including no homozygotes) in the Genome Aggregation Database. The glutamic acid at codon 738 is moderately conserved but computational analyses (SIFT, PolyPhen-2) predict that this variant is tolerated. Due to limited information, the clinical significance of this variant is uncertain at this time.

Breakthrough Genomics
Classification: Uncertain significance. Review status: criteria provided, single submitter. Criteria: ACMG Guidelines, 2015. Collection method: not provided. Allele origin: germline. Inheritance: Autosomal dominant inheritance. Affected: yes.